The following is an entry in ClinVar:

NM_003049.4(SLC10A1):c.746+21dup

Gene: SLC10A1 (solute carrier family 10 member 1; minus strand). Cytogenetic location: 14q24.1.
Variant type: Duplication.
Coding change: c.746+21dup on transcript NM_003049.4 (MANE Select); 21 bases into the intron after coding-DNA position 746, one base duplicated (T; older notation c.746+21dupT).
Molecular consequence: intron variant.
Genome position (GRCh38, 1-based): chr14:69,779,161, A duplicated on the plus strand (T on the coding strand, the reverse complement: SLC10A1 is on the minus strand); the first of 14 consecutive A bases (chr14:69,779,161-69,779,174); duplicating any one gives the same sequence. VCF-style (leftmost placement, unchanged base first): chr14-69779160-T-TA. GRCh37 (hg19) VCF-style: chr14-70245877-T-TA.
Other names: p.?.
Identifiers: ClinVar variation 4683891 (VCV004683891.1).

ClinVar aggregate classification (germline): Likely benign (1 of 4 stars; one submission).

Submission:

Mayo Clinic Laboratories, Mayo Clinic
Classification: Likely benign. Last evaluated: 2025-09-04. Review status: criteria provided, single submitter. Criteria: ACMG Guidelines, 2015. Collection method: clinical testing. Allele origin: germline. Observed: 12 variant alleles.
Comment: BS1, BP4